The following is an entry in ClinVar:

ClinVar aggregate classification (germline): Benign. Review status: criteria provided, single submitter (1 of 4 stars). 2 submissions from 1 submitter: Benign (2). Last evaluated 2018-01-13.

Conditions:
Adult-onset proximal spinal muscular atrophy, autosomal dominant. Also called: FINKEL LATE-ADULT TYPE SMA; Spinal muscular atrophy, late-onset, finkel type. Identifiers: Orphanet 209335, MedGen C1854058, MONDO:0008453, OMIM 182980.
Amyotrophic lateral sclerosis type 8 (ALS8). Identifiers: Orphanet 803, MedGen C1837728, MONDO:0012077, OMIM 608627.

Allele frequency attached by ClinVar (database versions not stated): ExAC 0.00017; gnomAD exomes 0.00026; 1000 Genomes Project 0.00100; gnomAD 0.00131 and 0.00139; TOPMed 0.00137; 1000 Genomes Project 30x 0.00141.
gnomAD v4.1: 252 of 452,812 alleles (0.056%); highest among the groups gnomAD compares: African/African-American, 0.48%; no homozygotes.

Submissions (2):

Illumina Laboratory Services, Illumina
Classification: Benign for Adult-onset proximal spinal muscular atrophy, autosomal dominant. Last evaluated: 2018-01-13. Review status: criteria provided, single submitter. Criteria: ICSL Variant Classification Criteria 13 December 2019. Collection method: clinical testing. Allele origin: germline.
Comment: This variant was observed in the ICSL laboratory as part of a predisposition screen in an ostensibly healthy population. It had not been previously curated by ICSL or reported in the Human Gene Mutation Database (HGMD: prior to June 1st, 2018), and was therefore a candidate for classification through an automated scoring system. Utilizing variant allele frequency, disease prevalence and penetrance estimates, and inheritance mode, an automated score was calculated to assess if this variant is too frequent to cause the disease. Based on the score and internal cut-off values, a variant classified as benign is not then subjected to further curation. The score for this variant resulted in a classification of benign for this disease.

Illumina Laboratory Services, Illumina
Classification: Benign for Amyotrophic lateral sclerosis type 8. Last evaluated: 2018-01-13. Review status: criteria provided, single submitter. Criteria: ICSL Variant Classification Criteria 13 December 2019. Collection method: clinical testing. Allele origin: germline.
Comment: the same text as in the submission from Illumina Laboratory Services, Illumina above.

NM_004738.5(VAPB):c.*1413C>G

Gene: VAPB (VAMP associated protein B and C; plus strand). Cytogenetic location: 20q13.32.
Variant type: single nucleotide variant.
Coding change: c.*1413C>G on transcript NM_004738.5 (MANE Select); 1413 bases downstream of the stop codon, C replaced by G.
Molecular consequence: 3 prime UTR variant. On other transcripts: non-coding transcript variant (1).
Genome position (GRCh38, 1-based): chr20:58,445,648, C>G. VCF-style: chr20-58445648-C-G. GRCh37 (hg19) VCF-style: chr20-57020704-C-G.
Other names: c.*1483C>G (NM_001195677.2).
Identifiers: ClinVar variation 338949 (VCV000338949.6), dbSNP rs190582293, ClinGen allele CA9924441.